The following is an entry in ClinVar:

NM_021224.6(ZNF462):c.741G>T (p.Trp247Cys)

Gene: ZNF462 (zinc finger protein 462; plus strand). Cytogenetic location: 9q31.2.
Variant type: single nucleotide variant.
Coding change: c.741G>T on transcript NM_021224.6 (MANE Select); coding-DNA position 741, G replaced by T.
Protein change: p.Trp247Cys; replaces tryptophan 247 with cysteine.
Molecular consequence: missense variant.
Genome position (GRCh38, 1-based): chr9:106,924,653, G>T. VCF-style: chr9-106924653-G-T. GRCh37 (hg19) VCF-style: chr9-109686934-G-T.
Other names: c.741G>T, p.Trp247Cys (NM_001347997.2); short protein forms W247C.
Identifiers: ClinVar variation 4082733 (VCV004082733.2).
Genomic context (GRCh38, chr9:106,924,653, plus strand): 5'-CATCTTAGAGTCTATGGTCAAGCCTTTGACCAAATCTCGAGGCAACTTTTGTTGTGAGTG[G>T]TGCAGCTACCAGACCCCCCGCCGAGAACGCTGGTGTGACCACATGATGAAGAAACACCGC-3'
Protein context (NP_067047.4, residues 237-257): TKSRGNFCCE[Trp247Cys]CSYQTPRRER

ClinVar aggregate classification (germline): Uncertain significance (1 of 4 stars; one submission).

Submission:

GeneDx
Classification: Uncertain significance. Last evaluated: 2026-09-19. Review status: criteria provided, single submitter. Criteria: GeneDx Variant Classification Process June 2021. Collection method: clinical testing. Allele origin: germline.
Comment: Not observed at significant frequency in large population cohorts (gnomAD); In silico analysis supports that this missense variant has a deleterious effect on protein structure/function; Has not been previously published as pathogenic or benign to our knowledge